The following is an entry in ClinVar:

NM_007074.4(CORO1A):c.630C>T (p.Val210=)

Genes: CORO1A (coronin 1A; plus strand), LOC121587541 (Sharpr-MPRA regulatory region 7413; plus strand). Cytogenetic location: 16p11.2.
Variant type: single nucleotide variant.
Coding change: c.630C>T on transcript NM_007074.4 (MANE Select); coding-DNA position 630, C replaced by T.
Protein change: p.Val210=; no amino-acid change (valine 210 retained).
Molecular consequence: synonymous variant.
Genome position (GRCh38, 1-based): chr16:30,187,217, C>T. VCF-style: chr16-30187217-C-T. GRCh37 (hg19) VCF-style: chr16-30198538-C-T.
Other names: c.630C>T, p.Val210= (NM_001193333.3).
Identifiers: ClinVar variation 474498 (VCV000474498.26), dbSNP rs139989282, ClinGen allele CA8003170.

ClinVar aggregate classification (germline): Likely benign. Review status: criteria provided, multiple submitters, no conflicts (2 of 4 stars). 3 submissions from 3 submitters: Likely benign (3). Last evaluated 2025-12-10.

Conditions:
Severe combined immunodeficiency due to CORO1A deficiency. Also called: Immunodeficiency 8; IMMUNODEFICIENCY 8 WITH LYMPHOPROLIFERATION. Identifiers: Orphanet 228003, MedGen C3809383, MONDO:0014168, OMIM 615401.

Allele frequency attached by ClinVar (database versions not stated): ESP Exome Variant Server 0.00015; TOPMed 0.00017; 1000 Genomes Project 0.00020; 1000 Genomes Project 30x 0.00031.
gnomAD v4.1: 111 of 1,612,354 alleles (0.0069%); highest among the groups gnomAD compares: African/African-American, 0.029%; no homozygotes.

Submissions (3):

Labcorp Genetics (formerly Invitae), Labcorp
Classification: Likely benign for Severe combined immunodeficiency due to CORO1A deficiency. Last evaluated: 2025-12-10. Review status: criteria provided, single submitter. Criteria: Invitae Variant Classification Sherloc (09022015). Collection method: clinical testing. Allele origin: germline.

CeGaT Center for Human Genetics Tuebingen
Classification: Likely benign. Last evaluated: 2025-01-01. Review status: criteria provided, single submitter. Criteria: CeGaT Center For Human Genetics Tuebingen Variant Classification Criteria Version 2. Collection method: clinical testing. Allele origin: germline. Affected: yes. Observed: 1 variant allele.
Comment: CORO1A: BP4, BP7

Blueprint Genetics
Classification: Likely benign. Last evaluated: 2024-08-14. Review status: criteria provided, single submitter. Criteria: ACMG Guidelines, 2015. Collection method: clinical testing. Allele origin: germline.